The following is an entry in ClinVar:

NM_024809.5(TCTN2):c.1538T>C (p.Ile513Thr)

Gene: TCTN2 (tectonic family member 2; plus strand). Cytogenetic location: 12q24.31.
Variant type: single nucleotide variant.
Coding change: c.1538T>C on transcript NM_024809.5 (MANE Select); coding-DNA position 1538, T replaced by C.
Protein change: p.Ile513Thr; replaces isoleucine 513 with threonine.
Molecular consequence: missense variant.
Genome position (GRCh38, 1-based): chr12:123,699,736, T>C. VCF-style: chr12-123699736-T-C. GRCh37 (hg19) VCF-style: chr12-124184283-T-C.
Other names: c.1535T>C, p.Ile512Thr (NM_001143850.3); c.1403T>C, p.Ile468Thr (NM_001410989.1); short protein forms I468T, I513T, I512T.
Identifiers: ClinVar variation 2154442 (VCV002154442.1), dbSNP rs1337915488, ClinGen allele CA387146201.

ClinVar aggregate classification (germline): Uncertain significance (1 of 4 stars; one submission).

Conditions:
Joubert syndrome. Also called: CEREBELLOPARENCHYMAL DISORDER IV; JOUBERT-BOLTSHAUSER SYNDROME; Familial aplasia of the vermis. Identifiers: Orphanet 475, MedGen C5979921, MONDO:0018772.
Meckel-Gruber syndrome. Also called: DYSENCEPHALIA SPLANCHNOCYSTICA; GRUBER SYNDROME; Dysencephalia splachnocystica. Identifiers: Orphanet 564, MedGen C0265215, MONDO:0018921.

Allele frequency attached by ClinVar (database versions not stated): gnomAD exomes below 0.00001; TOPMed 0.00001.
gnomAD v4.1: 7 of 1,613,964 alleles (0.00043%); highest among the groups gnomAD compares: Admixed American, 0.005%; no homozygotes.

Submission:

Labcorp Genetics (formerly Invitae), Labcorp
Classification: Uncertain significance for Joubert syndrome; Meckel-Gruber syndrome. Last evaluated: 2022-04-08. Review status: criteria provided, single submitter. Criteria: Invitae Variant Classification Sherloc (09022015). Collection method: clinical testing. Allele origin: germline.
Comment: This sequence change replaces isoleucine, which is neutral and non-polar, with threonine, which is neutral and polar, at codon 513 of the TCTN2 protein (p.Ile513Thr). This variant is present in population databases (no rsID available, gnomAD 0.006%). This variant has not been reported in the literature in individuals affected with TCTN2-related conditions. Algorithms developed to predict the effect of missense changes on protein structure and function (SIFT, PolyPhen-2, Align-GVGD) all suggest that this variant is likely to be tolerated. In summary, the available evidence is currently insufficient to determine the role of this variant in disease. Therefore, it has been classified as a Variant of Uncertain Significance.